The following is an entry in ClinVar:

ClinVar aggregate classification (germline): Conflicting classifications of pathogenicity. Review status: criteria provided, conflicting classifications (1 of 4 stars). 2 submissions from 2 submitters: Uncertain significance (1); Likely benign (1). Last evaluated 2025-03-01.

Conditions:
Inborn genetic diseases. Identifiers: MedGen C0950123, MeSH D030342.

gnomAD v4.1: 40 of 1,614,026 alleles (0.0025%); highest among the groups gnomAD compares: Non-Finnish European, 0.0034%; no homozygotes.

Submissions (2):

CeGaT Center for Human Genetics Tuebingen
Classification: Likely benign. Last evaluated: 2025-03-01. Review status: criteria provided, single submitter. Criteria: CeGaT Center For Human Genetics Tuebingen Variant Classification Criteria Version 2. Collection method: clinical testing. Allele origin: germline. Affected: yes. Observed: 1 variant allele.
Comment: ADGRL1: BP5

Ambry Genetics
Classification: Uncertain significance for Inborn genetic diseases. Last evaluated: 2024-06-16. Review status: criteria provided, single submitter. Criteria: Ambry Variant Classification Scheme 2023. Collection method: clinical testing. Allele origin: germline.

NM_014921.5(ADGRL1):c.2801C>G (p.Ser934Cys)

Genes: ADGRL1 (adhesion G protein-coupled receptor L1; minus strand), ADGRL1-AS1 (ADGRL1 antisense RNA 1; plus strand). Cytogenetic location: 19p13.12.
Variant type: single nucleotide variant.
Coding change: c.2801C>G on transcript NM_014921.5 (MANE Select); coding-DNA position 2801, C replaced by G.
Protein change: p.Ser934Cys; replaces serine 934 with cysteine.
Molecular consequence: missense variant.
Genome position (GRCh38, 1-based): chr19:14,157,090, G>C on the plus strand (C>G on the coding strand, the complement: ADGRL1 is on the minus strand). VCF-style: chr19-14157090-G-C. GRCh37 (hg19) VCF-style: chr19-14267902-G-C.
Other names: c.2816C>G, p.Ser939Cys (NM_001008701.3); short protein forms S939C, S934C.
Identifiers: ClinVar variation 3272212 (VCV003272212.8).
Genomic context (GRCh38, chr19:14,157,090, plus strand): 5'-TCGCTCTCAAACACCTCCACTAGTAGCAGGTAGAGGTGCACGCCCTCCAGGCACAGCCAG[G>C]AGAAGGCAGCCAGGAAGAAATAGTGCAGCAGGCCGGCGAAGATGGGGCAGGCAATCTGCG-3'
Protein context (NP_055736.2, residues 924-944): LLHYFFLAAF[Ser934Cys]WLCLEGVHLY